The following is an entry in ClinVar:

ClinVar aggregate classification (germline): Benign (1 of 4 stars; one submission).

Submission:

Unidad de Genómica Garrahan, Hospital de Pediatría Garrahan
Classification: Benign. Last evaluated: 2024-01-24. Review status: criteria provided, single submitter. Criteria: ACMG Guidelines, 2015. Collection method: clinical testing. Allele origin: germline. Affected: no. Observed: 23 variant alleles.
Comment: This variant is classified as Benign based on local population frequency. This variant was detected in 24% of patients studied by a panel of primary immunodeficiencies. Number of patients: 23. Only high quality variants are reported.

NM_001040458.3(ERAP1):c.2100+46_2100+47dup

Gene: ERAP1 (endoplasmic reticulum aminopeptidase 1; minus strand). Cytogenetic location: 5q15.
Variant type: Duplication.
Coding change: c.2100+46_2100+47dup on transcript NM_001040458.3 (MANE Select); bases 46 to 47 of the intron after coding-DNA position 2100, 2 bases duplicated (AA; older notation c.2100+46_2100+47dupAA).
Molecular consequence: intron variant.
Genome position (GRCh38, 1-based): chr5:96,783,877-96,783,878, TT duplicated on the plus strand (AA on the coding strand, the reverse complement: ERAP1 is on the minus strand); duplicating any 2 consecutive bases within chr5:96,783,877-96,783,881 gives the same sequence; the c. name uses the placement nearest the transcript's 3' end. VCF-style (leftmost placement, unchanged base first): chr5-96783876-C-CTT. GRCh37 (hg19) VCF-style: chr5-96119580-C-CTT.
Other names: c.2100+46_2100+47dup (NM_001349244.2, NM_016442.5, NM_001198541.3).
Identifiers: ClinVar variation 2688309 (VCV002688309.2), dbSNP rs2150918711, ClinGen allele CA2697546313.
Genomic context (GRCh38, chr5:96,783,876, plus strand): 5'-GATACACACACACACACACACACACACACACACACACACATACACACACAATGATTAACA[C>CTT]TTTTTAACACAAATAATAATTACATAACTTTTATTTCAGGCTTTTACCTTGAATTGAGTT-3'